The following is an entry in ClinVar:

ClinVar aggregate classification (germline): Likely pathogenic (1 of 4 stars; one submission).

Submission:

Mayo Clinic Laboratories, Mayo Clinic
Classification: Likely pathogenic. Last evaluated: 2025-07-15. Review status: criteria provided, single submitter. Criteria: ACMG Guidelines, 2015. Collection method: clinical testing. Allele origin: germline. Observed: 1 variant allele.
Comment: PM2_supporting, PVS1

NM_001277115.2(DNAH11):c.12340_12343del (p.Thr4114fs)

Gene: DNAH11 (dynein axonemal heavy chain 11; plus strand). Cytogenetic location: 7p15.3.
Variant type: Deletion.
Coding change: c.12340_12343del on transcript NM_001277115.2 (MANE Select); coding-DNA positions 12340 to 12343, 4 bases deleted (ACCA; older notation c.12340_12343delACCA).
Protein change: p.Thr4114fs; shifts the reading frame from threonine 4114.
Molecular consequence: frameshift variant.
Genome position (GRCh38, 1-based): chr7:21,880,846-21,880,849, ACCA deleted. VCF-style (leftmost placement, unchanged base first): chr7-21880845-CACCA-C. GRCh37 (hg19) VCF-style: chr7-21920463-CACCA-C.
Other names: p.Thr4114Phefs*10; short protein forms T4114fs.
Identifiers: ClinVar variation 4541267 (VCV004541267.1).